The following is an entry in ClinVar:

NM_000141.5(FGFR2):c.544G>T (p.Gly182Trp)

Gene: FGFR2 (fibroblast growth factor receptor 2; minus strand). Cytogenetic location: 10q26.13.
Variant type: single nucleotide variant.
Coding change: c.544G>T on transcript NM_000141.5 (MANE Select); coding-DNA position 544, G replaced by T.
Protein change: p.Gly182Trp; replaces glycine 182 with tryptophan.
Molecular consequence: missense variant. On other transcripts: non-coding transcript variant (1).
Genome position (GRCh38, 1-based): chr10:121,551,370, C>A on the plus strand (G>T on the coding strand, the complement: FGFR2 is on the minus strand). VCF-style: chr10-121551370-C-A. GRCh37 (hg19) VCF-style: chr10-123310884-C-A.
Other names: c.544G>T, p.Gly182Trp (NM_001144913.1, NM_001144914.1, NM_001144917.2 and 2 more transcripts); c.277G>T, p.Gly93Trp (NM_001144915.2, NM_001144919.2, NM_023029.3); c.199G>T, p.Gly67Trp (NM_001144916.2, NM_001144918.2); short protein forms G182W, G93W, G67W.
Identifiers: ClinVar variation 2172927 (VCV002172927.7), dbSNP rs200766273, ClinGen allele CA5721104.
Genomic context (GRCh38, chr10:121,551,370, plus strand): 5'-GCTCCTGCTTAAACTCCTTCCCGTTTTTCAGCCACCGCATGGTTGGCATTGGGTTCCCCC[C>A]GGCTGGGCAGCGAAACTTGACAGTGTTGGCCGCAGGCACAGCATGGAGCCGCTTTTCCAT-3'
Protein context (NP_000132.3, residues 172-192): ANTVKFRCPA[Gly182Trp]GNPMPTMRWL

ClinVar aggregate classification (germline): Uncertain significance. Review status: criteria provided, multiple submitters, no conflicts (2 of 4 stars). 3 submissions from 3 submitters: Uncertain significance (3). Last evaluated 2025-09-22.

Conditions:
Bent bone dysplasia syndrome 1 (BBDS1). Also called: FGFR2-related bent bone dysplasia. Identifiers: Orphanet 313855, MedGen C3281247, MONDO:0013815, OMIM 614592.
Beare-Stevenson cutis gyrata syndrome (BSTVS). Identifiers: Orphanet 1555, MedGen C1852406, MONDO:0007412, OMIM 123790.
Saethre-Chotzen syndrome (SCS). Also called: ACROCEPHALY, SKULL ASYMMETRY, AND MILD SYNDACTYLY; ACS III; CHOTZEN SYNDROME. Identifiers: Orphanet 794, MedGen C0175699, MONDO:0007042, OMIM 101400.
Antley-Bixler syndrome without genital anomalies or disordered steroidogenesis (ABS2). Also called: Trapezoidocephaly synostosis syndrome; Osteodysgenesis, multisynostotic with fractures; MULTISYNOSTOTIC OSTEODYSGENESIS WITH LONG BONE FRACTURES; Antley-Bixler Syndrome, Autosomal Dominant. Identifiers: Orphanet 596008, Orphanet 83, MedGen C2936791, MONDO:0020667, OMIM 207410.
Familial scaphocephaly syndrome, McGillivray type. Also called: SCAPHOCEPHALY, MAXILLARY RETRUSION, AND IMPAIRED INTELLECTUAL DEVELOPMENT. Identifiers: Orphanet 168624, MedGen C1865070, MONDO:0012307, OMIM 609579.
Crouzon syndrome. Also called: Craniofacial dysostosis; CRANIOFACIAL DYSOSTOSIS, TYPE I; Craniofacial dysostosis type 1; Crouzon craniofacial dysostosis; Crouzon disease. Identifiers: Orphanet 207, MedGen C0010273, MeSH D003394, MONDO:0007405, OMIM 123500, HP:0004439.
Gastric cancer. Also called: Malignant tumor of stomach; Stomach cancer. Identifiers: MedGen C0024623, MeSH D013274, MONDO:0001056, OMIM 613659, HP:0012126.
Jackson-Weiss syndrome (JWS). Also called: CRANIOSYNOSTOSIS, MIDFACIAL HYPOPLASIA, AND FOOT ABNORMALITIES. Identifiers: Orphanet 1540, MedGen C0795998, MONDO:0007400, OMIM 123150. Disease mechanism: loss of function.
Pfeiffer syndrome (ACS5). Also called: ACS V. Identifiers: Orphanet 710, MedGen C0220658, MONDO:0007043, OMIM 101600.
LADD syndrome 1 (LADD1). Also called: Lacrimoauriculodentodigital syndrome 1. Identifiers: MedGen C5774323, MONDO:0100302, OMIM 149730.
Acrocephalosyndactyly type I (ACS1). Also called: Apert syndrome; Acrocephalo-syndactyly type 1; ACS 1; Syndactylic oxycephaly. Identifiers: Orphanet 87, MedGen C0001193, MONDO:0007041, OMIM 101200.
FGFR2-related craniosynostosis. Identifiers: MedGen CN231480.

Allele frequency attached by ClinVar (database versions not stated): gnomAD 0.00002; 1000 Genomes Project 30x 0.00031; 1000 Genomes Project 0.00040.
gnomAD v4.1: 10 of 1,614,212 alleles (0.00062%); highest among the groups gnomAD compares: Admixed American, 0.01%; no homozygotes.

Submissions (3):

GeneDx
Classification: Uncertain significance. Last evaluated: 2025-09-22. Review status: criteria provided, single submitter. Criteria: GeneDx Variant Classification Process June 2021. Collection method: clinical testing. Allele origin: germline.
Comment: In silico analysis supports that this missense variant has a deleterious effect on protein structure/function; Has not been previously published as pathogenic or benign to our knowledge

Labcorp Genetics (formerly Invitae), Labcorp
Classification: Uncertain significance for FGFR2-related craniosynostosis. Last evaluated: 2025-09-07. Review status: criteria provided, single submitter. Criteria: Invitae Variant Classification Sherloc (09022015). Collection method: clinical testing. Allele origin: germline.
Comment: This sequence change replaces glycine, which is neutral and non-polar, with tryptophan, which is neutral and slightly polar, at codon 182 of the FGFR2 protein (p.Gly182Trp). This variant is present in population databases (rs200766273, gnomAD 0.006%). This variant has not been reported in the literature in individuals affected with FGFR2-related conditions. ClinVar contains an entry for this variant (Variation ID: 2172927). Invitae Evidence Modeling of protein sequence and biophysical properties (such as structural, functional, and spatial information, amino acid conservation, physicochemical variation, residue mobility, and thermodynamic stability) indicates that this missense variant is not expected to disrupt FGFR2 protein function with a negative predictive value of 80%. In summary, the available evidence is currently insufficient to determine the role of this variant in disease. Therefore, it has been classified as a Variant of Uncertain Significance.

Fulgent Genetics
Classification: Uncertain significance for Acrocephalosyndactyly type I; Saethre-Chotzen syndrome; Pfeiffer syndrome; Jackson-Weiss syndrome; Crouzon syndrome; Beare-Stevenson cutis gyrata syndrome; LADD syndrome 1; Antley-Bixler syndrome without genital anomalies or disordered steroidogenesis; Familial scaphocephaly syndrome, McGillivray type; Gastric cancer; Bent bone dysplasia syndrome 1. Last evaluated: 2024-04-03. Review status: criteria provided, single submitter. Criteria: ACMG Guidelines, 2015. Collection method: clinical testing. Allele origin: germline.